The following is an entry in ClinVar:

ClinVar aggregate classification (germline): Uncertain significance (1 of 4 stars; one submission).

Conditions:
Mucopolysaccharidosis type 7 (MPS7). Also called: MPS VII; GUSB DEFICIENCY; SLY SYNDROME; BETA-GLUCURONIDASE DEFICIENCY. Identifiers: Orphanet 584, MedGen C0085132, MONDO:0009662, OMIM 253220.

Submission:

Labcorp Genetics (formerly Invitae), Labcorp
Classification: Uncertain significance for Mucopolysaccharidosis type 7. Last evaluated: 2021-08-31. Review status: criteria provided, single submitter. Criteria: Invitae Variant Classification Sherloc (09022015). Collection method: clinical testing. Allele origin: germline.
Comment: In summary, the available evidence is currently insufficient to determine the role of this variant in disease. Therefore, it has been classified as a Variant of Uncertain Significance. This sequence change replaces asparagine with serine at codon 450 of the GUSB protein (p.Asn450Ser). The asparagine residue is highly conserved and there is a small physicochemical difference between asparagine and serine. This variant is not present in population databases (ExAC no frequency). This variant has not been reported in the literature in individuals affected with GUSB-related conditions. Algorithms developed to predict the effect of missense changes on protein structure and function (SIFT, PolyPhen-2, Align-GVGD) all suggest that this variant is likely to be disruptive. Algorithms developed to predict the effect of sequence changes on RNA splicing suggest that this variant may create or strengthen a splice site.

NM_000181.4(GUSB):c.1349A>G (p.Asn450Ser)

Gene: GUSB (glucuronidase beta; minus strand). Cytogenetic location: 7q11.21.
Variant type: single nucleotide variant.
Coding change: c.1349A>G on transcript NM_000181.4 (MANE Select); coding-DNA position 1349, A replaced by G.
Protein change: p.Asn450Ser; replaces asparagine 450 with serine.
Molecular consequence: missense variant. On other transcripts: non-coding transcript variant (1).
Genome position (GRCh38, 1-based): chr7:65,974,337, T>C on the plus strand (A>G on the coding strand, the complement: GUSB is on the minus strand). VCF-style: chr7-65974337-T-C. GRCh37 (hg19) VCF-style: chr7-65439324-T-C.
Other names: c.911A>G, p.Asn304Ser (NM_001284290.2); c.779A>G, p.Asn260Ser (NM_001293104.2); c.692A>G, p.Asn231Ser (NM_001293105.2); short protein forms N231S, N450S, N260S, N304S.
Identifiers: ClinVar variation 1513920 (VCV001513920.6), dbSNP rs2115949680, ClinGen allele CA367643348.